The following is an entry in ClinVar:

ClinVar aggregate classification (germline): Uncertain significance (1 of 4 stars; one submission).

Conditions:
Familial thoracic aortic aneurysm and aortic dissection (TAAD). Also called: Thoracic aortic aneurysms and dissections. Identifiers: Orphanet 91387, MedGen C4707243, MONDO:0019625.

Submission:

Ambry Genetics
Classification: Uncertain significance for Familial thoracic aortic aneurysm and aortic dissection. Last evaluated: 2026-04-02. Review status: criteria provided, single submitter. Criteria: Ambry Variant Classification Scheme 2023. Collection method: clinical testing. Allele origin: germline.
Comment: The p.V314M variant (also known as c.940G>A), located in coding exon 8 of the CBS gene, results from a G to A substitution at nucleotide position 940. The valine at codon 314 is replaced by methionine, an amino acid with highly similar properties. This amino acid position is conserved. In addition, this alteration is predicted to be deleterious by in silico analysis. Based on the available evidence, the clinical significance of this variant remains unclear.

NM_000071.3(CBS):c.940G>A (p.Val314Met)

Gene: CBS (cystathionine beta-synthase; minus strand). Cytogenetic location: 21q22.3.
Variant type: single nucleotide variant.
Coding change: c.940G>A on transcript NM_000071.3 (MANE Select); coding-DNA position 940, G replaced by A.
Protein change: p.Val314Met; replaces valine 314 with methionine.
Molecular consequence: missense variant.
Genome position (GRCh38, 1-based): chr21:43,062,967, C>T on the plus strand (G>A on the coding strand, the complement: CBS is on the minus strand). VCF-style: chr21-43062967-C-T. GRCh37 (hg19) VCF-style: chr21-44483077-C-T.
Other names: c.940G>A, p.Val314Met (NM_001178008.3, NM_001178009.3, NM_001320298.2); c.625G>A, p.Val209Met (NM_001321072.1); short protein forms V314M, V209M.
Identifiers: ClinVar variation 4868292 (VCV004868292.1).
Genomic context (GRCh38, chr21:43,062,967, plus strand): 5'-TTACAGGCTGCACCGGCACTGTGGCCGGGCTCTGGACTCGACCTACCGTCCTGTCCAGCA[C>T]CGTGGGGATGAAGTCGTAGCCGATCCCTTCCACCTCGTAGGTTGTCTGCTCCGTCTGGTT-3'
Protein context (NP_000062.1, residues 304-324): EGIGYDFIPT[Val314Met]LDRTVVDKWF